The following is an entry in ClinVar:

ClinVar aggregate classification (germline): Uncertain significance. Review status: criteria provided, multiple submitters, no conflicts (2 of 4 stars). 2 submissions from 2 submitters: Uncertain significance (2). Last evaluated 2024-02-23.

Conditions:
Neuroblastoma, susceptibility to, 3. Also called: ALK-Related Neuroblastic Tumor Susceptibility. Identifiers: Orphanet 635, MedGen C2751681, MONDO:0013083, OMIM 613014.
Hereditary cancer-predisposing syndrome. Also called: Neoplastic Syndromes, Hereditary; Hereditary neoplastic syndrome; Hereditary Cancer Syndrome; Tumor predisposition. Identifiers: Orphanet 140162, MedGen C0027672, MeSH D009386, MONDO:0015356.

Submissions (2):

Ambry Genetics
Classification: Uncertain significance for Hereditary cancer-predisposing syndrome. Last evaluated: 2024-02-23. Review status: criteria provided, single submitter. Criteria: Ambry Variant Classification Scheme 2023. Collection method: clinical testing. Allele origin: germline.
Comment: The p.L1196P variant (also known as c.3587T>C), located in coding exon 23 of the ALK gene, results from a T to C substitution at nucleotide position 3587. The leucine at codon 1196 is replaced by proline, an amino acid with similar properties. This amino acid position is highly conserved in available vertebrate species. In addition, this alteration is predicted to be deleterious by in silico analysis. Based on the available evidence, the clinical significance of this alteration remains unclear.

Labcorp Genetics (formerly Invitae), Labcorp
Classification: Uncertain significance for Neuroblastoma, susceptibility to, 3. Last evaluated: 2022-09-07. Review status: criteria provided, single submitter. Criteria: Invitae Variant Classification Sherloc (09022015). Collection method: clinical testing. Allele origin: germline.
Comment: This sequence change replaces leucine, which is neutral and non-polar, with proline, which is neutral and non-polar, at codon 1196 of the ALK protein (p.Leu1196Pro). This variant is not present in population databases (gnomAD no frequency). This variant has not been reported in the literature in individuals affected with ALK-related conditions. ClinVar contains an entry for this variant (Variation ID: 998890). Algorithms developed to predict the effect of missense changes on protein structure and function (SIFT, PolyPhen-2, Align-GVGD) all suggest that this variant is likely to be disruptive. In summary, the available evidence is currently insufficient to determine the role of this variant in disease. Therefore, it has been classified as a Variant of Uncertain Significance.

NM_004304.5(ALK):c.3587T>C (p.Leu1196Pro)

Gene: ALK (ALK receptor tyrosine kinase; minus strand). Cytogenetic location: 2p23.2.
Variant type: single nucleotide variant.
Coding change: c.3587T>C on transcript NM_004304.5 (MANE Select); coding-DNA position 3587, T replaced by C.
Protein change: p.Leu1196Pro; replaces leucine 1196 with proline.
Molecular consequence: missense variant.
Genome position (GRCh38, 1-based): chr2:29,220,764, A>G on the plus strand (T>C on the coding strand, the complement: ALK is on the minus strand). VCF-style: chr2-29220764-A-G. GRCh37 (hg19) VCF-style: chr2-29443630-A-G.
Other names: c.3587T>C (NM_004304.4); c.383T>C, p.Leu128Pro (NM_001353765.2); short protein forms L1196P, L128P.
Identifiers: ClinVar variation 998890 (VCV000998890.9), dbSNP rs1669780202, ClinGen allele CA346473059.